The following continues an entry in ClinVar:

NM_000238.4(KCNH2):c.1682C>T (p.Ala561Val)

Gene: KCNH2. ClinVar aggregate classification (germline): Pathogenic/Likely pathogenic. Pathogenic (10); Likely pathogenic (1).

Submissions 8 to 13 of 13:

GeneDx
Classification: Pathogenic. Last evaluated: 2021-12-17. Review status: criteria provided, single submitter. Criteria: GeneDx Variant Classification Process June 2021. Collection method: clinical testing. Allele origin: germline. Affected: yes.
Comment: Not observed at significant frequency in large population cohorts (Lek et al., 2016); In silico analysis supports that this missense variant has a deleterious effect on protein structure/function; Published functional studies demonstrate a damaging effect as A561V leads to ion channel suppression (Kagan et al., 2000; Anderson et al., 2006; Li et al., 2007); Reported in ClinVar (ClinVar Variation ID#14420; Landrum et al., 2016); This variant is associated with the following publications: (PMID: 19716085, 19862833, 11009462, 11468227, 28718902, 17595376, 23303164, 16432067, 12354768, 7889573, 15840476, 19841300, 9927399, 27761161, 10973849, 11854117, 23139254, 24709866, 24606995, 15120823, 24667783, 22949429, 10753933, 18441445, 18593567, 26847485, 26823142, 19996378, 28316956, 28749187, 17445409, 24623279, 29672598, 30246897, 26582918, 31557540, 31737537, 32383558)

Blueprint Genetics
Classification: Pathogenic for KCNH2-related disorders. Last evaluated: 2020-11-05. Review status: criteria provided, single submitter. Criteria: ACMG Guidelines, 2015. Collection method: clinical testing. Allele origin: germline. Affected: yes. Observed: 2 variant alleles.

Centre for Mendelian Genomics, University Medical Centre Ljubljana
Classification: Likely pathogenic for Obesity; Prolonged QT interval. Last evaluated: 2017-01-01. Review status: criteria provided, single submitter. Criteria: ACMG Guidelines, 2015. Collection method: clinical testing. Allele origin: unknown. Affected: yes.

Stanford Center for Inherited Cardiovascular Disease, Stanford University
Classification: Pathogenic. Last evaluated: 2016-04-08. Review status: criteria provided, single submitter. Criteria: ACMG Guidelines, 2015. Collection method: provider interpretation. Allele origin: germline.

OMIM
Classification: Pathogenic for LONG QT SYNDROME 2. Last evaluated: 2000-04-14. Review status: no assertion criteria provided. Collection method: literature only. Allele origin: germline. Not counted in ClinVar's aggregate classification.

Cardiovascular Biomedical Research Unit, Royal Brompton & Harefield NHS Foundation Trust
No classification provided. Condition: Familial long QT syndrome. Review status: no classification provided. Collection method: literature only. Allele origin: germline. Not counted in ClinVar's aggregate classification.
Comment: This variant has been reported as associated with Long QT syndrome in the following publications (PMID:7889573;PMID:9927399;PMID:10973849;PMID:11113008;PMID:11468227;PMID:11668638;PMID:11854117;PMID:15051636;PMID:15840476;PMID:16432067;PMID:17160940;PMID:17445409;PMID:18441445;PMID:18593567;PMID:19716085;PMID:19841300;PMID:9024139). This is a literature report, and does not necessarily reflect the clinical interpretation of the Imperial College / Royal Brompton Cardiovascular Genetics laboratory.

Literature cited by the submitters: PubMed 7889573 (cited by 6 submitters); PubMed 10973849 (cited by 3 submitters); PubMed 18593567 (cited by 3 submitters); PubMed 22949429 (cited by 3 submitters); PubMed 24606995 (cited by Labcorp Genetics (formerly Invitae), Labcorp and Ambry Genetics); PubMed 12354768 (cited by Labcorp Genetics (formerly Invitae), Labcorp); PubMed 16432067 (cited by 5 submitters); PubMed 17445409 (cited by 3 submitters); PubMed 23303164 (cited by Labcorp Genetics (formerly Invitae), Labcorp and Ambry Genetics); PubMed 24623279 (cited by Labcorp Genetics (formerly Invitae), Labcorp and Ambry Genetics); PubMed 26847485 (cited by Ambry Genetics); PubMed 29672598 (cited by Ambry Genetics); PubMed 30246897 (cited by Ambry Genetics); PubMed 9024139 (cited by Ambry Genetics and Cardiovascular Biomedical Research Unit, Royal Brompton & Harefield NHS Foundation Trust); PubMed 10753933 (cited by Dasa and OMIM); PubMed 24667783 (cited by Women's Health and Genetics/Laboratory Corporation of America, LabCorp); PubMed 9927399 (cited by Cardiovascular Biomedical Research Unit, Royal Brompton & Harefield NHS Foundation Trust); PubMed 11113008 (cited by Cardiovascular Biomedical Research Unit, Royal Brompton & Harefield NHS Foundation Trust); PubMed 11468227 (cited by Cardiovascular Biomedical Research Unit, Royal Brompton & Harefield NHS Foundation Trust); PubMed 11668638 (cited by Cardiovascular Biomedical Research Unit, Royal Brompton & Harefield NHS Foundation Trust); PubMed 11854117 (cited by Cardiovascular Biomedical Research Unit, Royal Brompton & Harefield NHS Foundation Trust); PubMed 15051636 (cited by Cardiovascular Biomedical Research Unit, Royal Brompton & Harefield NHS Foundation Trust); PubMed 15840476 (cited by Cardiovascular Biomedical Research Unit, Royal Brompton & Harefield NHS Foundation Trust); PubMed 17160940 (cited by Cardiovascular Biomedical Research Unit, Royal Brompton & Harefield NHS Foundation Trust); PubMed 18441445 (cited by Cardiovascular Biomedical Research Unit, Royal Brompton & Harefield NHS Foundation Trust); PubMed 19716085 (cited by Cardiovascular Biomedical Research Unit, Royal Brompton & Harefield NHS Foundation Trust); PubMed 19841300 (cited by Cardiovascular Biomedical Research Unit, Royal Brompton & Harefield NHS Foundation Trust); PubMed 22581653 (cited by Cardiovascular Biomedical Research Unit, Royal Brompton & Harefield NHS Foundation Trust).